The following is an entry in ClinVar:

NM_004006.3(DMD):c.740C>G (p.Ala247Gly)

Gene: DMD (dystrophin; minus strand). Cytogenetic location: Xp21.1.
Variant type: single nucleotide variant.
Coding change: c.740C>G on transcript NM_004006.3 (MANE Select); coding-DNA position 740, C replaced by G.
Protein change: p.Ala247Gly; replaces alanine 247 with glycine.
Molecular consequence: missense variant.
Genome position (GRCh38, 1-based): chrX:32,699,203, G>C on the plus strand (C>G on the coding strand, the complement: DMD is on the minus strand). VCF-style: chrX-32699203-G-C. GRCh37 (hg19) VCF-style: chrX-32717320-G-C.
Other names: c.716C>G, p.Ala239Gly (NM_000109.4); c.728C>G, p.Ala243Gly (NM_004009.3); c.371C>G, p.Ala124Gly (NM_004010.3); short protein forms A239G, A124G, A243G, A247G.
Identifiers: ClinVar variation 1449180 (VCV001449180.8), dbSNP rs767559999, ClinGen allele CA10380078.

ClinVar aggregate classification (germline): Uncertain significance (1 of 4 stars; one submission).

Conditions:
Duchenne muscular dystrophy (DMD). Also called: Duchenne Muscular Dystrophy (DMD); MUSCULAR DYSTROPHY, PSEUDOHYPERTROPHIC PROGRESSIVE, DUCHENNE TYPE. Identifiers: Orphanet 98896, MedGen C0013264, MONDO:0010679, OMIM 310200.

Allele frequency attached by ClinVar (database versions not stated): ExAC 0.00001; gnomAD exomes 0.00001.
gnomAD v4.1: 2 of 1,207,983 alleles (0.00017%); highest among the groups gnomAD compares: African/African-American, 0.0035%; no homozygotes.

Submission:

Labcorp Genetics (formerly Invitae), Labcorp
Classification: Uncertain significance for Duchenne muscular dystrophy. Last evaluated: 2024-10-27. Review status: criteria provided, single submitter. Criteria: Invitae Variant Classification Sherloc (09022015). Collection method: clinical testing. Allele origin: germline.
Comment: This sequence change replaces alanine, which is neutral and non-polar, with glycine, which is neutral and non-polar, at codon 247 of the DMD protein (p.Ala247Gly). This variant is present in population databases (rs767559999, gnomAD 0.008%). This variant has not been reported in the literature in individuals affected with DMD-related conditions. ClinVar contains an entry for this variant (Variation ID: 1449180). Invitae Evidence Modeling of protein sequence and biophysical properties (such as structural, functional, and spatial information, amino acid conservation, physicochemical variation, residue mobility, and thermodynamic stability) indicates that this missense variant is not expected to disrupt DMD protein function with a negative predictive value of 95%. In summary, the available evidence is currently insufficient to determine the role of this variant in disease. Therefore, it has been classified as a Variant of Uncertain Significance.